The following is an entry in ClinVar:

ClinVar aggregate classification (germline): Uncertain significance (1 of 4 stars; one submission).

Conditions:
Aicardi-Goutieres syndrome 6 (AGS6). Identifiers: Orphanet 51, MedGen C3539013, MONDO:0014007, OMIM 615010.
Symmetrical dyschromatosis of extremities (DSH). Also called: Dyschromatosis symmetrica hereditaria; DYSCHROMATOSIS SYMMETRICA HEREDITARIA 1; RETICULATE ACROPIGMENTATION OF DOHI; SYMMETRIC DYSCHROMATOSIS OF THE EXTREMITIES. Identifiers: Orphanet 41, MedGen C0406775, MONDO:0007483, OMIM 127400.

Submission:

Labcorp Genetics (formerly Invitae), Labcorp
Classification: Uncertain significance for Aicardi-Goutieres syndrome 6; Symmetrical dyschromatosis of extremities. Last evaluated: 2025-07-27. Review status: criteria provided, single submitter. Criteria: Invitae Variant Classification Sherloc (09022015). Collection method: clinical testing. Allele origin: germline.
Comment: This sequence change replaces aspartic acid, which is acidic and polar, with asparagine, which is neutral and polar, at codon 1113 of the ADAR protein (p.Asp1113Asn). This variant is not present in population databases (gnomAD no frequency). This variant has not been reported in the literature in individuals affected with ADAR-related conditions. Invitae Evidence Modeling of protein sequence and biophysical properties (such as structural, functional, and spatial information, amino acid conservation, physicochemical variation, residue mobility, and thermodynamic stability) has been performed for this missense variant. However, the output from this modeling did not meet the statistical confidence thresholds required to predict the impact of this variant on ADAR protein function. In summary, the available evidence is currently insufficient to determine the role of this variant in disease. Therefore, it has been classified as a Variant of Uncertain Significance.

NM_001111.5(ADAR):c.3337G>A (p.Asp1113Asn)

Gene: ADAR (adenosine deaminase RNA specific; minus strand). Cytogenetic location: 1q21.3.
Variant type: single nucleotide variant.
Coding change: c.3337G>A on transcript NM_001111.5 (MANE Select); coding-DNA position 3337, G replaced by A.
Protein change: p.Asp1113Asn; replaces aspartic acid 1113 with asparagine.
Molecular consequence: missense variant.
Genome position (GRCh38, 1-based): chr1:154,585,323, C>T on the plus strand (G>A on the coding strand, the complement: ADAR is on the minus strand). VCF-style: chr1-154585323-C-T. GRCh37 (hg19) VCF-style: chr1-154557799-C-T.
Other names: c.2452G>A, p.Asp818Asn (NM_001025107.3, NM_001193495.2, NM_001365046.1 and 2 more transcripts); c.3364G>A, p.Asp1122Asn (NM_001365045.1); c.2374G>A, p.Asp792Asn (NM_001365049.1); c.3259G>A, p.Asp1087Asn (NM_015840.4); c.3202G>A, p.Asp1068Asn (NM_015841.4); short protein forms D792N, D1087N, D1122N, D818N, D1068N, D1113N.
Identifiers: ClinVar variation 4783065 (VCV004783065.1).